The following is an entry in ClinVar:

ClinVar aggregate classification (germline): Uncertain significance (1 of 4 stars; one submission).

Allele frequency attached by ClinVar (database versions not stated): gnomAD exomes 0.00001 and 0.00007; gnomAD 0.00004; TOPMed 0.00006; ESP Exome Variant Server 0.00008.
gnomAD v4.1: 110 of 1,613,354 alleles (0.0068%); highest among the groups gnomAD compares: Non-Finnish European, 0.0086%; no homozygotes.

Submission:

Labcorp Genetics (formerly Invitae), Labcorp
Classification: Uncertain significance. Last evaluated: 2025-06-29. Review status: criteria provided, single submitter. Criteria: Invitae Variant Classification Sherloc (09022015). Collection method: clinical testing. Allele origin: germline.
Comment: This sequence change replaces arginine, which is basic and polar, with threonine, which is neutral and polar, at codon 671 of the ZNF408 protein (p.Arg671Thr). This variant is present in population databases (rs374921720, gnomAD 0.003%). This variant has not been reported in the literature in individuals affected with ZNF408-related conditions. ClinVar contains an entry for this variant (Variation ID: 1021052). An algorithm developed to predict the effect of missense changes on protein structure and function (PolyPhen-2) suggests that this variant is likely to be tolerated. In summary, the available evidence is currently insufficient to determine the role of this variant in disease. Therefore, it has been classified as a Variant of Uncertain Significance.

NM_024741.3(ZNF408):c.2012G>C (p.Arg671Thr)

Gene: ZNF408 (zinc finger protein 408; plus strand). Cytogenetic location: 11p11.2.
Variant type: single nucleotide variant.
Coding change: c.2012G>C on transcript NM_024741.3 (MANE Select); coding-DNA position 2012, G replaced by C.
Protein change: p.Arg671Thr; replaces arginine 671 with threonine.
Molecular consequence: missense variant.
Genome position (GRCh38, 1-based): chr11:46,705,712, G>C. VCF-style: chr11-46705712-G-C. GRCh37 (hg19) VCF-style: chr11-46727262-G-C.
Other names: c.1988G>C, p.Arg663Thr (NM_001184751.2); short protein forms R663T, R671T.
Identifiers: ClinVar variation 1021052 (VCV001021052.8), dbSNP rs374921720, ClinGen allele CA221634507.